The following is an entry in ClinVar:

NM_032447.5(FBN3):c.4981T>C (p.Cys1661Arg)

Gene: FBN3 (fibrillin 3; minus strand). Cytogenetic location: 19p13.2.
Variant type: single nucleotide variant.
Coding change: c.4981T>C on transcript NM_032447.5 (MANE Select); coding-DNA position 4981, T replaced by C.
Protein change: p.Cys1661Arg; replaces cysteine 1661 with arginine.
Molecular consequence: missense variant.
Genome position (GRCh38, 1-based): chr19:8,102,832, A>G on the plus strand (T>C on the coding strand, the complement: FBN3 is on the minus strand). VCF-style: chr19-8102832-A-G. GRCh37 (hg19) VCF-style: chr19-8167716-A-G.
Other names: c.4981T>C, p.Cys1661Arg (NM_001321431.2); short protein forms C1661R.
Identifiers: ClinVar variation 3712880 (VCV003712880.2).

ClinVar aggregate classification (germline): Uncertain significance (1 of 4 stars; one submission).

gnomAD v4.1: 18 of 1,614,084 alleles (0.0011%); highest among the groups gnomAD compares: East Asian, 0.036%; no homozygotes.

Submission:

Labcorp Genetics (formerly Invitae), Labcorp
Classification: Uncertain significance. Last evaluated: 2025-01-14. Review status: criteria provided, single submitter. Criteria: Invitae Variant Classification Sherloc (09022015). Collection method: clinical testing. Allele origin: germline.
Comment: This sequence change replaces cysteine, which is neutral and slightly polar, with arginine, which is basic and polar, at codon 1661 of the FBN3 protein (p.Cys1661Arg). The frequency data for this variant in the population databases is considered unreliable, as metrics indicate poor data quality at this position in the gnomAD database. This variant has not been reported in the literature in individuals affected with FBN3-related conditions. Invitae Evidence Modeling of protein sequence and biophysical properties (such as structural, functional, and spatial information, amino acid conservation, physicochemical variation, residue mobility, and thermodynamic stability) indicates that this missense variant is expected to disrupt FBN3 protein function with a positive predictive value of 80%. In summary, the available evidence is currently insufficient to determine the role of this variant in disease. Therefore, it has been classified as a Variant of Uncertain Significance.